The following is an entry in ClinVar:

NM_003470.3(USP7):c.793T>C (p.Tyr265His)

Gene: USP7 (ubiquitin specific peptidase 7; minus strand). Cytogenetic location: 16p13.2.
Variant type: single nucleotide variant.
Coding change: c.793T>C on transcript NM_003470.3 (MANE Select); coding-DNA position 793, T replaced by C.
Protein change: p.Tyr265His; replaces tyrosine 265 with histidine.
Molecular consequence: missense variant. On other transcripts: non-coding transcript variant (1).
Genome position (GRCh38, 1-based): chr16:8,917,084, A>G on the plus strand (T>C on the coding strand, the complement: USP7 is on the minus strand). VCF-style: chr16-8917084-A-G. GRCh37 (hg19) VCF-style: chr16-9010941-A-G.
Other names: c.745T>C, p.Tyr249His (NM_001286457.2); c.496T>C, p.Tyr166His (NM_001286458.2); c.619T>C, p.Tyr207His (NM_001321858.2); short protein forms Y166H, Y207H, Y249H, Y265H.
Identifiers: ClinVar variation 1316118 (VCV001316118.2), dbSNP rs2141203991, ClinGen allele CA394703994.

ClinVar aggregate classification (germline): Uncertain significance (1 of 4 stars; one submission).

Allele frequency attached by ClinVar (database versions not stated): gnomAD exomes below 0.00001.
gnomAD v4.1: 2 of 1,613,714 alleles (0.00012%); highest among the groups gnomAD compares: Non-Finnish European, 0.00017%; no homozygotes.

Submission:

GeneDx
Classification: Uncertain significance. Last evaluated: 2019-07-29. Review status: criteria provided, single submitter. Criteria: GeneDx Variant Classification Process June 2021. Collection method: clinical testing. Allele origin: germline. Affected: yes.
Comment: Not observed in large population cohorts (Lek et al., 2016); In silico analysis, which includes protein predictors and evolutionary conservation, supports that this variant does not alter protein structure/function; Has not been previously published as pathogenic or benign to our knowledge